The following is an entry in ClinVar:

ClinVar aggregate classification (germline): Uncertain significance. Review status: criteria provided, multiple submitters, no conflicts (2 of 4 stars). 3 submissions from 3 submitters: Uncertain significance (3). Last evaluated 2025-10-07.

Conditions:
Inborn genetic diseases. Identifiers: MedGen C0950123, MeSH D030342.

Allele frequency attached by ClinVar (database versions not stated): gnomAD exomes below 0.00001.
gnomAD v4.1: 3 of 1,613,478 alleles (0.00019%); highest among the groups gnomAD compares: Non-Finnish European, 0.00025%; no homozygotes.

Submissions (3):

Ambry Genetics
Classification: Uncertain significance for Inborn genetic diseases. Last evaluated: 2025-10-07. Review status: criteria provided, single submitter. Criteria: Ambry Variant Classification Scheme 2023. Collection method: clinical testing. Allele origin: germline.

Labcorp Genetics (formerly Invitae), Labcorp
Classification: Uncertain significance for Combined immunodeficiency due to DOCK8 deficiency. Last evaluated: 2024-11-11. Review status: criteria provided, single submitter. Criteria: Invitae Variant Classification Sherloc (09022015). Collection method: clinical testing. Allele origin: germline.
Comment: This sequence change replaces lysine, which is basic and polar, with threonine, which is neutral and polar, at codon 1955 of the DOCK8 protein (p.Lys1955Thr). This variant is not present in population databases (gnomAD no frequency). This variant has not been reported in the literature in individuals affected with DOCK8-related conditions. ClinVar contains an entry for this variant (Variation ID: 1695241). Invitae Evidence Modeling of protein sequence and biophysical properties (such as structural, functional, and spatial information, amino acid conservation, physicochemical variation, residue mobility, and thermodynamic stability) indicates that this missense variant is expected to disrupt DOCK8 protein function with a positive predictive value of 80%. In summary, the available evidence is currently insufficient to determine the role of this variant in disease. Therefore, it has been classified as a Variant of Uncertain Significance.

CeGaT Center for Human Genetics Tuebingen
Classification: Uncertain significance. Last evaluated: 2022-06-01. Review status: criteria provided, single submitter. Criteria: CeGaT Center For Human Genetics Tuebingen Variant Classification Criteria Version 2. Collection method: clinical testing. Allele origin: germline. Affected: yes. Observed: 1 variant allele.
Comment: DOCK8: PM2

NM_203447.4(DOCK8):c.5864A>C (p.Lys1955Thr)

Gene: DOCK8 (dedicator of cytokinesis 8; plus strand). Cytogenetic location: 9p24.3.
Variant type: single nucleotide variant.
Coding change: c.5864A>C on transcript NM_203447.4 (MANE Select); coding-DNA position 5864, A replaced by C.
Protein change: p.Lys1955Thr; replaces lysine 1955 with threonine.
Molecular consequence: missense variant.
Genome position (GRCh38, 1-based): chr9:449,830, A>C. VCF-style: chr9-449830-A-C. GRCh37 (hg19) VCF-style: chr9-449830-A-C.
Other names: c.5564A>C, p.Lys1855Thr (NM_001190458.2); c.5660A>C, p.Lys1887Thr (NM_001193536.2); c.5864A>C (NM_203447.3); short protein forms K1855T, K1887T, K1955T.
Identifiers: ClinVar variation 1695241 (VCV001695241.34), dbSNP rs2131866624, ClinGen allele CA372769399.
Genomic context (GRCh38, chr9:449,830, plus strand): 5'-CGTCTCATGTTCAGTTTGTTTTGACACCGATTGAAGTTGCCATTGAAGACATGAAGAAGA[A>C]GACCCTGCAGTTAGCAGTTGCCATTAACCAGGAGCCGCCTGATGCAAAGATGCTTCAGAT-3'
Protein context (NP_982272.2, residues 1945-1965): IEVAIEDMKK[Lys1955Thr]TLQLAVAINQ